The following is an entry in ClinVar:

NM_001042681.2(RERE):c.3919C>T (p.Arg1307Trp)

Gene: RERE (arginine-glutamic acid dipeptide repeats; minus strand). Cytogenetic location: 1p36.23.
Variant type: single nucleotide variant.
Coding change: c.3919C>T on transcript NM_001042681.2 (MANE Select); coding-DNA position 3919, C replaced by T.
Protein change: p.Arg1307Trp; replaces arginine 1307 with tryptophan.
Molecular consequence: missense variant.
Genome position (GRCh38, 1-based): chr1:8,358,616, G>A on the plus strand (C>T on the coding strand, the complement: RERE is on the minus strand). VCF-style: chr1-8358616-G-A. GRCh37 (hg19) VCF-style: chr1-8418676-G-A.
Other names: c.2257C>T, p.Arg753Trp (NM_001042682.2); c.3919C>T, p.Arg1307Trp (NM_012102.4); short protein forms R1307W, R753W.
Identifiers: ClinVar variation 1038870 (VCV001038870.8), dbSNP rs1416258785, ClinGen allele CA338169575.
Genomic context (GRCh38, chr1:8,358,616, plus strand): 5'-AGCCCGGCTTCATCCTCTCCCGCAGCTCCCGCTCTCGGATCTCCCGCTCTCGGATCTCCC[G>A]CTCCCGGAGCTCCCGCTCGCGGATGGTGGGGTCGACGTTGTAGAGGCCAGGCATGTGGTA-3'
Protein context (NP_001036146.1, residues 1297-1317): PTIRERELRE[Arg1307Trp]EIREREIRER

ClinVar aggregate classification (germline): Uncertain significance (1 of 4 stars; one submission).

Allele frequency attached by ClinVar (database versions not stated): gnomAD exomes below 0.00001.
gnomAD v4.1: 4 of 1,590,490 alleles (0.00025%); highest among the groups gnomAD compares: Non-Finnish European, 0.00034%; no homozygotes.

Submission:

Labcorp Genetics (formerly Invitae), Labcorp
Classification: Uncertain significance. Last evaluated: 2020-01-21. Review status: criteria provided, single submitter. Criteria: Invitae Variant Classification Sherloc (09022015). Collection method: clinical testing. Allele origin: germline.
Comment: In summary, the available evidence is currently insufficient to determine the role of this variant in disease. Therefore, it has been classified as a Variant of Uncertain Significance. Experimental studies and prediction algorithms are not available or were not evaluated, and the functional significance of this variant is currently unknown. This variant has not been reported in the literature in individuals with RERE-related conditions. This variant is not present in population databases (ExAC no frequency). This sequence change replaces arginine with tryptophan at codon 1307 of the RERE protein (p.Arg1307Trp). The arginine residue is highly conserved and there is a moderate physicochemical difference between arginine and tryptophan.